The following is an entry in ClinVar:

NM_018082.6(POLR3B):c.2158G>A (p.Val720Ile)

Gene: POLR3B (RNA polymerase III subunit B; plus strand). Cytogenetic location: 12q23.3.
Variant type: single nucleotide variant.
Coding change: c.2158G>A on transcript NM_018082.6 (MANE Select); coding-DNA position 2158, G replaced by A.
Protein change: p.Val720Ile; replaces valine 720 with isoleucine.
Molecular consequence: missense variant.
Genome position (GRCh38, 1-based): chr12:106,454,576, G>A. VCF-style: chr12-106454576-G-A. GRCh37 (hg19) VCF-style: chr12-106848354-G-A.
Other names: p.Val720Ile; c.2158G>A (NM_018082.5); c.1984G>A, p.Val662Ile (NM_001160708.2); short protein forms V662I, V720I.
Identifiers: ClinVar variation 2070384 (VCV002070384.8), dbSNP rs761026189, ClinGen allele CA6762133.

ClinVar aggregate classification (germline): Uncertain significance. Review status: criteria provided, multiple submitters, no conflicts (2 of 4 stars). 5 submissions from 5 submitters: Uncertain significance (5). Last evaluated 2025-11-14.

Conditions:
Inborn genetic diseases. Identifiers: MedGen C0950123, MeSH D030342.

Allele frequency attached by ClinVar (database versions not stated): gnomAD exomes 0.00002; TOPMed 0.00004; ExAC 0.00010.
gnomAD v4.1: 32 of 1,610,428 alleles (0.002%); highest among the groups gnomAD compares: Admixed American, 0.053%; no homozygotes.

Submissions (5):

Mayo Clinic Laboratories, Mayo Clinic
Classification: Uncertain significance. Last evaluated: 2025-11-14. Review status: criteria provided, single submitter. Criteria: ACMG Guidelines, 2015. Collection method: clinical testing. Allele origin: germline. Observed: 1 variant allele.

Labcorp Genetics (formerly Invitae), Labcorp
Classification: Uncertain significance. Last evaluated: 2025-05-22. Review status: criteria provided, single submitter. Criteria: Invitae Variant Classification Sherloc (09022015). Collection method: clinical testing. Allele origin: germline.
Comment: This sequence change replaces valine, which is neutral and non-polar, with isoleucine, which is neutral and non-polar, at codon 720 of the POLR3B protein (p.Val720Ile). This variant is present in population databases (rs761026189, gnomAD 0.07%). This variant has not been reported in the literature in individuals affected with POLR3B-related conditions. ClinVar contains an entry for this variant (Variation ID: 2070384). Invitae Evidence Modeling of protein sequence and biophysical properties (such as structural, functional, and spatial information, amino acid conservation, physicochemical variation, residue mobility, and thermodynamic stability) has been performed for this missense variant. However, the output from this modeling did not meet the statistical confidence thresholds required to predict the impact of this variant on POLR3B protein function. In summary, the available evidence is currently insufficient to determine the role of this variant in disease. Therefore, it has been classified as a Variant of Uncertain Significance.

Blueprint Genetics
Classification: Uncertain significance. Last evaluated: 2024-10-02. Review status: criteria provided, single submitter. Criteria: ACMG Guidelines, 2015. Collection method: clinical testing. Allele origin: germline.

ARUP Laboratories, Molecular Genetics and Genomics, ARUP Laboratories
Classification: Uncertain significance. Last evaluated: 2023-11-22. Review status: criteria provided, single submitter. Criteria: ARUP Molecular Germline Variant Investigation Process 2024. Collection method: clinical testing. Allele origin: germline.

Ambry Genetics
Classification: Uncertain significance for Inborn genetic diseases. Last evaluated: 2023-10-02. Review status: criteria provided, single submitter. Criteria: Ambry Variant Classification Scheme 2023. Collection method: clinical testing. Allele origin: germline.